The following is an entry in ClinVar:

ClinVar aggregate classification (germline): Likely benign. Review status: criteria provided, multiple submitters, no conflicts (2 of 4 stars). 2 submissions from 2 submitters: Likely benign (2). Last evaluated 2018-01-12.

Conditions:
Autosomal recessive nonsyndromic hearing loss 30. Identifiers: Orphanet 90636, MedGen C1846784, MONDO:0011774, OMIM 607101.

Allele frequency attached by ClinVar (database versions not stated): 1000 Genomes Project 0.06130; 1000 Genomes Project 30x 0.06636; TOPMed 0.07882; gnomAD 0.07952 and 0.08457; gnomAD exomes 0.10000.
gnomAD v4.1: 12,145 of 152,362 alleles (8%); highest among the groups gnomAD compares: African/African-American, 14%; 597 homozygotes.

Submissions (2):

Illumina Laboratory Services, Illumina
Classification: Likely benign for Autosomal recessive nonsyndromic hearing loss 30. Last evaluated: 2018-01-12. Review status: criteria provided, single submitter. Criteria: ICSL Variant Classification Criteria 13 December 2019. Collection method: clinical testing. Allele origin: germline.
Comment: This variant was observed in the ICSL laboratory as part of a predisposition screen in an ostensibly healthy population. It had not been previously curated by ICSL or reported in the Human Gene Mutation Database (HGMD: prior to June 1st, 2018), and was therefore a candidate for classification through an automated scoring system. Utilizing variant allele frequency, disease prevalence and penetrance estimates, and inheritance mode, an automated score was calculated to assess if this variant is too frequent to cause the disease. Based on the score and internal cut-off values, a variant classified as likely benign is not then subjected to further curation. The score for this variant resulted in a classification of likely benign for this disease.

Breakthrough Genomics
Classification: Likely benign. Review status: criteria provided, single submitter. Criteria: ACMG Guidelines, 2015. Collection method: not provided. Allele origin: germline. Inheritance: Autosomal recessive inheritance. Affected: yes.

NM_017433.5(MYO3A):c.-132A>G

Gene: MYO3A (myosin IIIA; plus strand). Cytogenetic location: 10p12.1.
Variant type: single nucleotide variant.
Coding change: c.-132A>G on transcript NM_017433.5 (MANE Select); 132 bases upstream of the start codon, A replaced by G.
Molecular consequence: 5 prime UTR variant.
Genome position (GRCh38, 1-based): chr10:25,934,301, A>G. VCF-style: chr10-25934301-A-G. GRCh37 (hg19) VCF-style: chr10-26223230-A-G.
Other names: c.-132A>G (NM_001368265.1).
Identifiers: ClinVar variation 299639 (VCV000299639.6), dbSNP rs7073224, ClinGen allele CA10635504.